The following is an entry in ClinVar:

ClinVar aggregate classification (germline): Pathogenic. Review status: criteria provided, multiple submitters, no conflicts (2 of 4 stars). 2 submissions from 2 submitters: Pathogenic (2). Last evaluated 2022-12-21.

Submissions (2):

Center for Personalized Medicine, Children's Hospital Los Angeles
Classification: Pathogenic. Last evaluated: 2022-12-21. Review status: criteria provided, single submitter. Criteria: ACMG Guidelines, 2015. Collection method: clinical testing. Allele origin: de novo. Affected: yes.

GeneDx
Classification: Pathogenic. Last evaluated: 2017-10-03. Review status: criteria provided, single submitter. Criteria: GeneDx Variant Classification (06012015). Collection method: clinical testing. Allele origin: germline. Affected: yes.
Comment: The S603X variant in the ASXL3 gene has not been reported previously as a pathogenic variant nor as a benign variant, to our knowledge. This variant is predicted to cause loss of normal protein function either through protein truncation or nonsense-mediated mRNA decay. The S603X variant is not observed in large population cohorts (Lek et al., 2016).

NM_030632.3(ASXL3):c.1808C>G (p.Ser603Ter)

Gene: ASXL3 (ASXL transcriptional regulator 3; plus strand). Cytogenetic location: 18q12.1.
Variant type: single nucleotide variant.
Coding change: c.1808C>G on transcript NM_030632.3 (MANE Select); coding-DNA position 1808, C replaced by G.
Protein change: p.Ser603Ter; replaces serine 603 with a stop codon.
Molecular consequence: nonsense.
Genome position (GRCh38, 1-based): chr18:33,739,212, C>G. VCF-style: chr18-33739212-C-G. GRCh37 (hg19) VCF-style: chr18-31319176-C-G.
Other names: short protein forms S603*.
Identifiers: ClinVar variation 452513 (VCV000452513.3), dbSNP rs762650572, ClinGen allele CA402176384.